The following is an entry in ClinVar:

ClinVar aggregate classification (germline): Uncertain significance (1 of 4 stars; one submission).

Submission:

Labcorp Genetics (formerly Invitae), Labcorp
Classification: Uncertain significance. Last evaluated: 2021-03-18. Review status: criteria provided, single submitter. Criteria: Invitae Variant Classification Sherloc (09022015). Collection method: clinical testing. Allele origin: germline.
Comment: In summary, the available evidence is currently insufficient to determine the role of this variant in disease. Therefore, it has been classified as a Variant of Uncertain Significance. Algorithms developed to predict the effect of missense changes on protein structure and function output the following: SIFT: "Tolerated"; PolyPhen-2: "Benign"; Align-GVGD: "Class C0". The leucine amino acid residue is found in multiple mammalian species, suggesting that this missense change does not adversely affect protein function. These predictions have not been confirmed by published functional studies and their clinical significance is uncertain. This variant has not been reported in the literature in individuals with OTOA-related conditions. This variant is not present in population databases (ExAC no frequency). This sequence change replaces methionine with leucine at codon 579 of the OTOA protein (p.Met579Leu). The methionine residue is highly conserved and there is a small physicochemical difference between methionine and leucine.

NM_144672.4(OTOA):c.1735A>T (p.Met579Leu)

Gene: OTOA (otoancorin). Cytogenetic location: 16p12.2.
Variant type: single nucleotide variant.
Coding change: c.1735A>T on transcript NM_144672.4 (MANE Select); coding-DNA position 1735, A replaced by T.
Protein change: p.Met579Leu; replaces methionine 579 with leucine.
Molecular consequence: missense variant.
Genome position (GRCh38, 1-based): chr16:21,719,433, A>T. VCF-style: chr16-21719433-A-T. GRCh37 (hg19) VCF-style: chr16-21730754-A-T.
Other names: c.1498A>T, p.Met500Leu (NM_001161683.2); c.763A>T, p.Met255Leu (NM_170664.3); short protein forms M500L, M255L, M579L.
Identifiers: ClinVar variation 1517400 (VCV001517400.8), dbSNP rs2141704719, ClinGen allele CA395064667.